The following is an entry in ClinVar:

NM_001205293.3(CACNA1E):c.5654A>G (p.Lys1885Arg)

Gene: CACNA1E (calcium voltage-gated channel subunit alpha1 E; plus strand). Cytogenetic location: 1q25.3.
Variant type: single nucleotide variant.
Coding change: c.5654A>G on transcript NM_001205293.3 (MANE Select); coding-DNA position 5654, A replaced by G.
Protein change: p.Lys1885Arg; replaces lysine 1885 with arginine.
Molecular consequence: missense variant.
Genome position (GRCh38, 1-based): chr1:181,785,393, A>G. VCF-style: chr1-181785393-A-G. GRCh37 (hg19) VCF-style: chr1-181754529-A-G.
Other names: c.5654A>G, p.Lys1885Arg (NM_000721.4); c.5597A>G, p.Lys1866Arg (NM_001205294.2); short protein forms K1866R, K1885R.
Identifiers: ClinVar variation 2772416 (VCV002772416.3), dbSNP rs2529252821, ClinGen allele CA343631558.

ClinVar aggregate classification (germline): Uncertain significance (1 of 4 stars; one submission).

Submission:

Labcorp Genetics (formerly Invitae), Labcorp
Classification: Uncertain significance. Last evaluated: 2023-12-02. Review status: criteria provided, single submitter. Criteria: Invitae Variant Classification Sherloc (09022015). Collection method: clinical testing. Allele origin: germline.
Comment: This sequence change replaces lysine, which is basic and polar, with arginine, which is basic and polar, at codon 1885 of the CACNA1E protein (p.Lys1885Arg). This variant is not present in population databases (gnomAD no frequency). This variant has not been reported in the literature in individuals affected with CACNA1E-related conditions. Advanced modeling of protein sequence and biophysical properties (such as structural, functional, and spatial information, amino acid conservation, physicochemical variation, residue mobility, and thermodynamic stability) performed at Invitae indicates that this missense variant is not expected to disrupt CACNA1E protein function with a negative predictive value of 95%. In summary, the available evidence is currently insufficient to determine the role of this variant in disease. Therefore, it has been classified as a Variant of Uncertain Significance.